The following is an entry in ClinVar:

ClinVar aggregate classification (germline): Uncertain significance (1 of 4 stars; one submission).

gnomAD v4.1: 2 of 1,569,964 alleles (0.00013%); highest among the groups gnomAD compares: Non-Finnish European, 0.000087%; no homozygotes.

Submission:

GeneDx
Classification: Uncertain significance. Last evaluated: 2019-05-22. Review status: criteria provided, single submitter. Criteria: GeneDx Variant Classification Process June 2021. Collection method: clinical testing. Allele origin: germline. Affected: yes.
Comment: Not observed in large population cohorts (Lek et al., 2016); In silico analysis, which includes protein predictors and evolutionary conservation, supports a deleterious effect; Has not been previously published as pathogenic or benign to our knowledge

NM_001098511.3(KIF2A):c.328A>C (p.Asn110His)

Gene: KIF2A (kinesin family member 2A; plus strand). Cytogenetic location: 5q12.1.
Variant type: single nucleotide variant.
Coding change: c.328A>C on transcript NM_001098511.3 (MANE Select); coding-DNA position 328, A replaced by C.
Protein change: p.Asn110His; replaces asparagine 110 with histidine.
Molecular consequence: missense variant.
Genome position (GRCh38, 1-based): chr5:62,350,114, A>C. VCF-style: chr5-62350114-A-C. GRCh37 (hg19) VCF-style: chr5-61645941-A-C.
Other names: c.247A>C, p.Asn83His (NM_001243952.2); c.328A>C, p.Asn110His (NM_001243953.2, NM_004520.5); short protein forms N110H, N83H.
Identifiers: ClinVar variation 1305519 (VCV001305519.2), dbSNP rs2111915930, ClinGen allele CA359948764.